The following is an entry in ClinVar:

NM_000038.6(APC):c.6682A>C (p.Arg2228=)

Gene: APC (APC regulator of Wnt signaling pathway; plus strand). Cytogenetic location: 5q22.2.
Variant type: single nucleotide variant.
Coding change: c.6682A>C on transcript NM_000038.6 (MANE Select); coding-DNA position 6682, A replaced by C.
Protein change: p.Arg2228=; no amino-acid change (arginine 2228 retained).
Molecular consequence: synonymous variant. On other transcripts: non-coding transcript variant (2).
Genome position (GRCh38, 1-based): chr5:112,842,276, A>C. VCF-style: chr5-112842276-A-C. GRCh37 (hg19) VCF-style: chr5-112177973-A-C.
Other names: c.6682A>C, p.Arg2228= (NM_001127510.3, NM_001354895.2, NM_001407450.1); c.6628A>C, p.Arg2210= (NM_001127511.3); c.6736A>C, p.Arg2246= (NM_001354896.2, NM_001407447.1, NM_001407448.1 and 1 more transcripts); c.6712A>C, p.Arg2238= (NM_001354897.2); c.6607A>C, p.Arg2203= (NM_001354898.2); c.6598A>C, p.Arg2200= (NM_001354899.2); c.6559A>C, p.Arg2187= (NM_001354900.2); c.6505A>C, p.Arg2169= (NM_001354901.2, NM_001407453.1); and 11 more.
Identifiers: ClinVar variation 3254469 (VCV003254469.1), dbSNP rs199648202.
Genomic context (GRCh38, chr5:112,842,276, plus strand): 5'-GAAATTTCAGGCCAAATGAAACAGCCCCTTCAAGCAAACATGCCTTCAATCTCTCGAGGC[A>C]GGACAATGATTCATATTCCAGGAGTTCGAAATAGCTCCTCAAGTACAAGTCCTGTTTCTA-3'
Protein context (NP_000029.2, residues 2218-2238): QANMPSISRG[Arg2228=]TMIHIPGVRN

ClinVar aggregate classification (germline): Benign (1 of 4 stars; one submission).

Conditions:
Familial adenomatous polyposis 1 (FAP1). Also called: FAMILIAL ADENOMATOUS POLYPOSIS 1, ATTENUATED; POLYPOSIS, ADENOMATOUS INTESTINAL. Identifiers: MedGen C2713442, MONDO:0021056, OMIM 175100. Disease mechanism: loss of function.

Submission:

Myriad Genetics, Inc.
Classification: Benign for Familial adenomatous polyposis 1. Last evaluated: 2024-04-05. Review status: criteria provided, single submitter. Criteria: Myriad Autosomal Dominant, Autosomal Recessive and X-Linked Classification Criteria (2023). Collection method: clinical testing. Allele origin: unknown.
Comment: This variant is considered benign. This variant is a silent/synonymous amino acid change and it is not expected to impact splicing.